The following is an entry in ClinVar:

ClinVar aggregate classification (germline): Uncertain significance (1 of 4 stars; one submission).

Conditions:
Inborn genetic diseases. Identifiers: MedGen C0950123, MeSH D030342.

Submission:

Ambry Genetics
Classification: Uncertain significance for Inborn genetic diseases. Last evaluated: 2026-02-19. Review status: criteria provided, single submitter. Criteria: Ambry Variant Classification Scheme 2023. Collection method: clinical testing. Allele origin: germline.
Comment: The p.Y1009C variant (also known as c.3026A>G), located in coding exon 24 of the ANKRD26 gene, results from an A to G substitution at nucleotide position 3026. The tyrosine at codon 1009 is replaced by cysteine, an amino acid with highly dissimilar properties. This amino acid position is conserved. In addition, this alteration is predicted to be tolerated by in silico analysis. Based on the available evidence, the clinical significance of this variant remains unclear.

NM_014915.3(ANKRD26):c.3026A>G (p.Tyr1009Cys)

Gene: ANKRD26 (ankyrin repeat domain 26; minus strand). Cytogenetic location: 10p12.1.
Variant type: single nucleotide variant.
Coding change: c.3026A>G on transcript NM_014915.3 (MANE Select); coding-DNA position 3026, A replaced by G.
Protein change: p.Tyr1009Cys; replaces tyrosine 1009 with cysteine.
Molecular consequence: missense variant.
Genome position (GRCh38, 1-based): chr10:27,035,424, T>C on the plus strand (A>G on the coding strand, the complement: ANKRD26 is on the minus strand). VCF-style: chr10-27035424-T-C. GRCh37 (hg19) VCF-style: chr10-27324353-T-C.
Other names: c.3023A>G, p.Tyr1008Cys (NM_001256053.2); short protein forms Y1009C, Y1008C.
Identifiers: ClinVar variation 4845154 (VCV004845154.1).